The following is an entry in ClinVar:

NM_007294.4(BRCA1):c.1429G>T (p.Val477Leu)

Gene: BRCA1 (BRCA1 DNA repair associated; minus strand). Cytogenetic location: 17q21.31.
Variant type: single nucleotide variant.
Coding change: c.1429G>T on transcript NM_007294.4 (MANE Select); coding-DNA position 1429, G replaced by T.
Protein change: p.Val477Leu; replaces valine 477 with leucine.
Molecular consequence: missense variant. On other transcripts: intron variant (137).
Genome position (GRCh38, 1-based): chr17:43,094,102, C>A on the plus strand (G>T on the coding strand, the complement: BRCA1 is on the minus strand). VCF-style: chr17-43094102-C-A. GRCh37 (hg19) VCF-style: chr17-41246119-C-A.
Other names: c.454+642G>T (NM_001408502.1); c.1426G>T, p.Val476Leu (NM_001407629.1, NM_001407630.1, NM_001407631.1 and 22 more transcripts); c.577+642G>T (NM_001408489.1, NM_001408479.1, NM_001408481.1 and 9 more transcripts); c.661+642G>T (NM_001408445.1, NM_001408432.1, NM_001408446.1 and 6 more transcripts); c.667+1744G>T (NM_001408431.1, NM_001408424.1, NM_001408421.1); c.784+642G>T (NM_001408407.1, NM_001408402.1, NM_001408473.1 and 13 more transcripts); c.1429G>T, p.Val477Leu (NM_001407639.1, NM_001407640.1, NM_001407641.1 and 30 more transcripts); c.664+642G>T (NM_001408443.1, NM_001408439.1, NM_001408425.1 and 12 more transcripts); and 40 more; short protein forms V181L, V309L, V349L, V350L, V365L, V366L, V388L, V389L.
Identifiers: ClinVar variation 4800861 (VCV004800861.1).

ClinVar aggregate classification (germline): Uncertain significance (1 of 4 stars; one submission).

Conditions:
Hereditary breast ovarian cancer syndrome. Also called: Hereditary breast and ovarian cancer syndrome (HBOC); Hereditary breast and ovarian cancer; Breast and ovarian cancer; Hereditary breast and/or ovarian cancer syndrome; BRCA1- and BRCA2-Associated Hereditary Breast and Ovarian Cancer; Hereditary breast and ovarian cancer syndrome. Identifiers: Orphanet 145, MedGen C0677776, MeSH D061325, MONDO:0003582. Disease mechanism: loss of function.

Submission:

Labcorp Genetics (formerly Invitae), Labcorp
Classification: Uncertain significance for Hereditary breast ovarian cancer syndrome. Last evaluated: 2025-03-25. Review status: criteria provided, single submitter. Criteria: Invitae Variant Classification Sherloc (09022015). Collection method: clinical testing. Allele origin: germline.
Comment: This sequence change replaces valine, which is neutral and non-polar, with leucine, which is neutral and non-polar, at codon 477 of the BRCA1 protein (p.Val477Leu). This variant is not present in population databases (gnomAD no frequency). This variant has not been reported in the literature in individuals affected with BRCA1-related conditions. Invitae Evidence Modeling of protein sequence and biophysical properties (such as structural, functional, and spatial information, amino acid conservation, physicochemical variation, residue mobility, and thermodynamic stability) indicates that this missense variant is not expected to disrupt BRCA1 protein function with a negative predictive value of 80%. In summary, the available evidence is currently insufficient to determine the role of this variant in disease. Therefore, it has been classified as a Variant of Uncertain Significance.